The following is an entry in ClinVar:

NM_000719.7(CACNA1C):c.6062A>T (p.Gln2021Leu)

Genes: CACNA1C (calcium voltage-gated channel subunit alpha1 C; plus strand), CACNA1C-AS1 (CACNA1C antisense RNA 1; minus strand). Cytogenetic location: 12p13.33.
Variant type: single nucleotide variant.
Coding change: c.6062A>T on transcript NM_000719.7 (MANE Select); coding-DNA position 6062, A replaced by T.
Protein change: p.Gln2021Leu; replaces glutamine 2021 with leucine.
Molecular consequence: missense variant.
Genome position (GRCh38, 1-based): chr12:2,688,724, A>T. VCF-style: chr12-2688724-A-T. GRCh37 (hg19) VCF-style: chr12-2797890-A-T.
Other names: c.6206A>T, p.Gln2069Leu (NM_001129827.2); c.6185A>T, p.Gln2062Leu (NM_001129829.2); c.6167A>T, p.Gln2056Leu (NM_001129830.3, NM_001167624.3); c.6146A>T, p.Gln2049Leu (NM_001129831.2); c.6122A>T, p.Gln2041Leu (NM_001129832.2); c.6119A>T, p.Gln2040Leu (NM_001129833.2, NM_001129834.2, NM_001129835.2); c.6113A>T, p.Gln2038Leu (NM_001129836.2); c.6086A>T, p.Gln2029Leu (NM_001129837.2, NM_001129838.2); and 6 more; short protein forms Q2029L, Q2049L, Q2056L, Q2104L, Q2018L, Q2027L, Q2041L, Q2069L.
Identifiers: ClinVar variation 5033581 (VCV005033581.1).

ClinVar aggregate classification (germline): Uncertain significance (1 of 4 stars; one submission).

Conditions:
Cardiovascular phenotype. Identifiers: MedGen CN230736.

Submission:

Ambry Genetics
Classification: Uncertain significance for Cardiovascular phenotype. Last evaluated: 2026-08-10. Review status: criteria provided, single submitter. Criteria: Ambry Variant Classification Scheme 2023. Collection method: clinical testing. Allele origin: germline.
Comment: The p.Q2021L variant (also known as c.6062A>T), located in coding exon 46 of the CACNA1C gene, results from an A to T substitution at nucleotide position 6062. The glutamine at codon 2021 is replaced by leucine, an amino acid with dissimilar properties. This amino acid position is conserved. In addition, this alteration is predicted to be tolerated by in silico analysis. Based on the available evidence, the clinical significance of this variant remains unclear.